The following is an entry in ClinVar:

NM_006031.6(PCNT):c.4963-6T>G

Gene: PCNT (pericentrin; plus strand). Cytogenetic location: 21q22.3.
Variant type: single nucleotide variant.
Coding change: c.4963-6T>G on transcript NM_006031.6 (MANE Select); 6 bases into the intron before coding-DNA position 4963, T replaced by G.
Molecular consequence: intron variant.
Genome position (GRCh38, 1-based): chr21:46,402,325, T>G. VCF-style: chr21-46402325-T-G. GRCh37 (hg19) VCF-style: chr21-47822239-T-G.
Other names: c.4609-6T>G (NM_001315529.2).
Identifiers: ClinVar variation 4983311 (VCV004983311.1).

ClinVar aggregate classification (germline): Uncertain significance (1 of 4 stars; one submission).

Conditions:
PCNT-related disorder. Also called: PCNT-related condition.

Submission:

PreventionGenetics, part of Exact Sciences
Classification: Uncertain significance for PCNT-related condition. Last evaluated: 2025-06-13. Review status: criteria provided, single submitter. Criteria: ACMG Guidelines, 2015. Collection method: clinical testing. Allele origin: germline.
Comment: The PCNT c.4963-6T>G variant is predicted to interfere with splicing. To our knowledge, this variant has not been reported in the literature or in a large population database (gnomAD), indicating this variant is rare. At this time, the clinical significance of this variant is uncertain due to the absence of conclusive functional and genetic evidence.